The following is an entry in ClinVar:

ClinVar aggregate classification (germline): Likely pathogenic (1 of 4 stars; one submission).

Submission:

GeneDx
Classification: Likely pathogenic. Last evaluated: 2026-08-21. Review status: criteria provided, single submitter. Criteria: GeneDx Variant Classification Process June 2021. Collection method: clinical testing. Allele origin: germline.
Comment: Not observed at significant frequency in large population cohorts (gnomAD); In silico analysis supports that this missense variant has a deleterious effect on protein structure/function; Has not been previously published as pathogenic or benign to our knowledge

NM_000352.6(ABCC8):c.4539G>T (p.Met1513Ile)

Gene: ABCC8 (ATP binding cassette subfamily C member 8; minus strand). Cytogenetic location: 11p15.1.
Variant type: single nucleotide variant.
Coding change: c.4539G>T on transcript NM_000352.6 (MANE Select); coding-DNA position 4539, G replaced by T.
Protein change: p.Met1513Ile; replaces methionine 1513 with isoleucine.
Molecular consequence: missense variant. On other transcripts: non-coding transcript variant (1).
Genome position (GRCh38, 1-based): chr11:17,394,272, C>A on the plus strand (G>T on the coding strand, the complement: ABCC8 is on the minus strand). VCF-style: chr11-17394272-C-A. GRCh37 (hg19) VCF-style: chr11-17415819-C-A.
Other names: c.4542G>T, p.Met1514Ile (NM_001287174.3); c.4605G>T, p.Met1535Ile (NM_001351295.2); c.4539G>T, p.Met1513Ile (NM_001351296.2); c.4536G>T, p.Met1512Ile (NM_001351297.2); short protein forms M1512I, M1513I, M1514I, M1535I.
Identifiers: ClinVar variation 3371435 (VCV003371435.3).
Genomic context (GRCh38, chr11:17,394,272, plus strand): 5'-ATCCCACTAAACCCTTTCCAAGACCATGGTCCCATGGAGGGGCCCAGGACCAACCGTGGC[C>A]ATGTCAATGGAAGCCGTGGCCTCGTCCATGATGAAGATGCTGGTCTTCCTCACGAAGGCC-3'
Protein context (NP_000343.2, residues 1503-1523): IMDEATASID[Met1513Ile]ATENILQKVV